The following is an entry in ClinVar:

ClinVar aggregate classification (germline): Likely benign (1 of 4 stars; one submission).

Conditions:
Hereditary breast ovarian cancer syndrome. Also called: Hereditary breast and/or ovarian cancer syndrome; BRCA1- and BRCA2-Associated Hereditary Breast and Ovarian Cancer; Hereditary breast and ovarian cancer syndrome; Hereditary breast and ovarian cancer; Hereditary breast and ovarian cancer syndrome (HBOC); Breast and ovarian cancer. Identifiers: Orphanet 145, MedGen C0677776, MeSH D061325, MONDO:0003582. Disease mechanism: loss of function.

Submissions (2):

Labcorp Genetics (formerly Invitae), Labcorp
Classification: Likely benign for Hereditary breast ovarian cancer syndrome. Last evaluated: 2022-06-22. Review status: criteria provided, single submitter. Criteria: Invitae Variant Classification Sherloc (09022015). Collection method: clinical testing. Allele origin: germline.

Brotman Baty Institute, University of Washington
No classification provided (evidence only). Condition: Breast-ovarian cancer, familial 1. Review status: no classification provided. Collection method: in vitro. Allele origin: not applicable. Functional consequence: functionally_normal. Not counted in ClinVar's aggregate classification.
ClinVar note: "not provided" was previously submitted as the classification for the variant. However, the classification appeared to be based only on an observation of functional data so it was converted to no classification on 2025-07-30.

NM_007294.4(BRCA1):c.5332+8C>A

Gene: BRCA1 (BRCA1 DNA repair associated; minus strand). Cytogenetic location: 17q21.31.
Variant type: single nucleotide variant.
Coding change: c.5332+8C>A on transcript NM_007294.4 (MANE Select); 8 bases into the intron after coding-DNA position 5332, C replaced by A.
Molecular consequence: intron variant.
Genome position (GRCh38, 1-based): chr17:43,051,055, G>T on the plus strand (C>A on the coding strand, the complement: BRCA1 is on the minus strand). VCF-style: chr17-43051055-G-T. GRCh37 (hg19) VCF-style: chr17-41203072-G-T.
Other names: c.1879+8C>A (NM_001408458.1, NM_001408461.1, NM_001408464.1 and 7 more transcripts); c.4441+8C>A (NM_001407967.1); c.4951+8C>A (NM_001407959.1); c.5065+8C>A (NM_001407931.1, NM_001407932.1, NM_001407928.1 and 4 more transcripts); c.5188+8C>A (NM_001407747.1, NM_001407745.1, NM_001407737.1 and 21 more transcripts); c.4948+8C>A (NM_001407962.1, NM_001407960.1); c.1519+8C>A (NM_001408512.1); c.1642+8C>A (NM_001408510.1); and 74 more.
Identifiers: ClinVar variation 865608 (VCV000865608.8), dbSNP rs772616764, ClinGen allele CA916081014.
Genomic context (GRCh38, chr17:43,051,055, plus strand): 5'-GCTTATAATACTCCACTATGTAAGACAAAGGCTGGTGCTGGAACTCTGGGGTTCTCCCAG[G>T]CTCTTACCTGTGGGCATGTTGGTGAAGGGCCCATAGCAACAGATTTCTAGCCCCCTGAAG-3'